The following is an entry in ClinVar:

NM_007294.4(BRCA1):c.3302_3305del (p.Ser1101fs)

Genes: BRCA1 (BRCA1 DNA repair associated; minus strand), LOC126862571 (BRD4-independent group 4 enhancer GRCh37_chr17:41243136-41244335; plus strand). Cytogenetic location: 17q21.31.
Variant type: Deletion.
Coding change: c.3302_3305del on transcript NM_007294.4 (MANE Select); coding-DNA positions 3302 to 3305, 4 bases deleted (GTAA; older notation c.3302_3305delGTAA).
Protein change: p.Ser1101fs; shifts the reading frame from serine 1101.
Molecular consequence: frameshift variant. On other transcripts: intron variant (137).
Genome position (GRCh38, 1-based): chr17:43,092,226-43,092,229, TTAC deleted on the plus strand (GTAA on the coding strand, the reverse complement: BRCA1 is on the minus strand); deleting any 4 consecutive bases within chr17:43,092,226-43,092,231 gives the same sequence; the c. name uses the placement nearest the transcript's 3' end. VCF-style (leftmost placement, unchanged base first): chr17-43092225-ATTAC-A. GRCh37 (hg19) VCF-style: chr17-41244242-ATTAC-A.
Other names: c.3161_3164del, p.Ser1054fs (NM_001407734.1, NM_001407735.1, NM_001407736.1 and 29 more transcripts); c.788-1197_788-1194del (NM_001407974.1, NM_001407980.1, NM_001407993.1 and 17 more transcripts); c.788-90_788-87del (NM_001407969.1, NM_001407968.1); c.578-1197_578-1194del (NM_001408492.1, NM_001408513.1, NM_001408481.1 and 9 more transcripts); c.644-1197_644-1194del (NM_001408468.1, NM_001408470.1, NM_001408464.1 and 3 more transcripts); c.524-1197_524-1194del (NM_001408501.1, NM_001408500.1, NM_001408498.1 and 3 more transcripts); c.647-1197_647-1194del (NM_001408455.1, NM_001408458.1, NM_001408469.1 and 11 more transcripts); c.521-1197_521-1194del (NM_001408503.1, NM_001408505.1, NM_001408504.1); and 42 more; short protein forms S1054fs, S1101fs, S1074fs, S1100fs, S973fs, S1012fs, S1031fs, S1053fs.
Identifiers: ClinVar variation 479253 (VCV000479253.8), dbSNP rs1555587992, ClinGen allele CA658656615.

ClinVar aggregate classification (germline): Pathogenic. Review status: criteria provided, multiple submitters, no conflicts (2 of 4 stars). 2 submissions from 2 submitters: Pathogenic (2). Last evaluated 2024-10-27.

Conditions:
Hereditary breast ovarian cancer syndrome. Also called: Hereditary breast and ovarian cancer syndrome (HBOC); Hereditary breast and ovarian cancer syndrome; Breast and ovarian cancer; BRCA1- and BRCA2-Associated Hereditary Breast and Ovarian Cancer; Hereditary breast and ovarian cancer; Hereditary breast and/or ovarian cancer syndrome. Identifiers: Orphanet 145, MedGen C0677776, MeSH D061325, MONDO:0003582. Disease mechanism: loss of function.
Hereditary cancer-predisposing syndrome. Also called: Neoplastic Syndromes, Hereditary; Hereditary Cancer Syndrome; Hereditary neoplastic syndrome; Tumor predisposition. Identifiers: Orphanet 140162, MedGen C0027672, MeSH D009386, MONDO:0015356.

Submissions (2):

Labcorp Genetics (formerly Invitae), Labcorp
Classification: Pathogenic for Hereditary breast ovarian cancer syndrome. Last evaluated: 2024-10-27. Review status: criteria provided, single submitter. Criteria: Invitae Variant Classification Sherloc (09022015). Collection method: clinical testing. Allele origin: germline.
Comment: This sequence change creates a premature translational stop signal (p.Ser1101Ilefs*7) in the BRCA1 gene. It is expected to result in an absent or disrupted protein product. Loss-of-function variants in BRCA1 are known to be pathogenic (PMID: 20104584). This variant is not present in population databases (gnomAD no frequency). This variant has not been reported in the literature in individuals affected with BRCA1-related conditions. ClinVar contains an entry for this variant (Variation ID: 479253). For these reasons, this variant has been classified as Pathogenic.

Ambry Genetics
Classification: Pathogenic for Hereditary cancer-predisposing syndrome. Last evaluated: 2017-03-17. Review status: criteria provided, single submitter. Criteria: Ambry Variant Classification Scheme 2023. Collection method: clinical testing. Allele origin: germline.
Comment: The c.3302_3305delGTAA pathogenic mutation, located in coding exon 9 of the BRCA1 gene, results from a deletion of 4 nucleotides at nucleotide positions 3302 to 3305, causing a translational frameshift with a predicted alternate stop codon (p.S1101Ifs*7). This alteration is expected to result in loss of function by premature protein truncation or nonsense-mediated mRNA decay. As such, this alteration is interpreted as a disease-causing mutation.

Literature cited by the submitters: PubMed 20104584 (cited by Labcorp Genetics (formerly Invitae), Labcorp).